The following is an entry in ClinVar:

NM_002439.5(MSH3):c.1489A>T (p.Lys497Ter)

Gene: MSH3 (mutS homolog 3; plus strand). Cytogenetic location: 5q14.1.
Variant type: single nucleotide variant.
Coding change: c.1489A>T on transcript NM_002439.5 (MANE Select); coding-DNA position 1489, A replaced by T.
Protein change: p.Lys497Ter; replaces lysine 497 with a stop codon.
Molecular consequence: nonsense.
Genome position (GRCh38, 1-based): chr5:80,728,886, A>T. VCF-style: chr5-80728886-A-T. GRCh37 (hg19) VCF-style: chr5-80024705-A-T.
Other names: short protein forms K497*.
Identifiers: ClinVar variation 1773731 (VCV001773731.6), dbSNP rs777360391, ClinGen allele CA360274213.

ClinVar aggregate classification (germline): Pathogenic. Review status: criteria provided, multiple submitters, no conflicts (2 of 4 stars). 3 submissions from 3 submitters: Pathogenic (3). Last evaluated 2025-03-11.

Conditions:
Hereditary cancer-predisposing syndrome. Also called: Hereditary Cancer Syndrome; Hereditary neoplastic syndrome; Neoplastic Syndromes, Hereditary; Tumor predisposition. Identifiers: Orphanet 140162, MedGen C0027672, MeSH D009386, MONDO:0015356.
Familial adenomatous polyposis 4 (FAP4). Also called: MSH3-related attenuated familial adenomatous polyposis. Identifiers: Orphanet 480536, MedGen C4310719, MONDO:0044300, OMIM 617100.

Submissions (3):

Myriad Genetics, Inc.
Classification: Pathogenic for Familial adenomatous polyposis 4. Last evaluated: 2025-03-11. Review status: criteria provided, single submitter. Criteria: Myriad Autosomal Dominant, Autosomal Recessive and X-Linked Classification Criteria (2023). Collection method: clinical testing. Allele origin: unknown.
Comment: This variant is considered pathogenic. This variant creates a termination codon and is predicted to result in premature protein truncation.

Ambry Genetics
Classification: Pathogenic for Hereditary cancer-predisposing syndrome. Last evaluated: 2024-12-06. Review status: criteria provided, single submitter. Criteria: Ambry Variant Classification Scheme 2023. Collection method: clinical testing. Allele origin: germline.
Comment: The p.K497* pathogenic mutation (also known as c.1489A>T), located in coding exon 10 of the MSH3 gene, results from an A to T substitution at nucleotide position 1489. This changes the amino acid from a lysine to a stop codon within coding exon 10. This variant is considered to be rare based on population cohorts in the Genome Aggregation Database (gnomAD). This alteration is expected to result in loss of function by premature protein truncation or nonsense-mediated mRNA decay. As such, this alteration is interpreted as a disease-causing mutation.

Labcorp Genetics (formerly Invitae), Labcorp
Classification: Pathogenic. Last evaluated: 2024-12-02. Review status: criteria provided, single submitter. Criteria: Invitae Variant Classification Sherloc (09022015). Collection method: clinical testing. Allele origin: germline.
Comment: This sequence change creates a premature translational stop signal (p.Lys497*) in the MSH3 gene. It is expected to result in an absent or disrupted protein product. Loss-of-function variants in MSH3 are known to be pathogenic (PMID: 27476653, 37402566). This variant is not present in population databases (gnomAD no frequency). This variant has not been reported in the literature in individuals affected with MSH3-related conditions. ClinVar contains an entry for this variant (Variation ID: 1773731). For these reasons, this variant has been classified as Pathogenic.

Literature cited by the submitters: PubMed 27476653 (cited by Labcorp Genetics (formerly Invitae), Labcorp); PubMed 37402566 (cited by Labcorp Genetics (formerly Invitae), Labcorp).